The following is an entry in ClinVar:

ClinVar aggregate classification (germline): Uncertain significance. Review status: criteria provided, multiple submitters, no conflicts (2 of 4 stars). 2 submissions from 2 submitters: Uncertain significance (2). Last evaluated 2024-10-01.

Allele frequency attached by ClinVar (database versions not stated): ExAC 0.00002; gnomAD exomes 0.00002; gnomAD 0.00004; TOPMed 0.00005; ESP Exome Variant Server 0.00008.
gnomAD v4.1: 34 of 1,614,014 alleles (0.0021%); highest among the groups gnomAD compares: African/African-American, 0.0027%; no homozygotes.

Submissions (2):

Labcorp Genetics (formerly Invitae), Labcorp
Classification: Uncertain significance. Last evaluated: 2024-10-01. Review status: criteria provided, single submitter. Criteria: Invitae Variant Classification Sherloc (09022015). Collection method: clinical testing. Allele origin: germline.
Comment: This sequence change replaces serine, which is neutral and polar, with leucine, which is neutral and non-polar, at codon 593 of the CELSR2 protein (p.Ser593Leu). This variant is present in population databases (rs144013657, gnomAD 0.004%). This variant has not been reported in the literature in individuals affected with CELSR2-related conditions. Invitae Evidence Modeling of protein sequence and biophysical properties (such as structural, functional, and spatial information, amino acid conservation, physicochemical variation, residue mobility, and thermodynamic stability) has been performed for this missense variant. However, the output from this modeling did not meet the statistical confidence thresholds required to predict the impact of this variant on CELSR2 protein function. In summary, the available evidence is currently insufficient to determine the role of this variant in disease. Therefore, it has been classified as a Variant of Uncertain Significance.

Ambry Genetics
Classification: Uncertain significance. Last evaluated: 2024-03-08. Review status: criteria provided, single submitter. Criteria: Ambry Variant Classification Scheme 2023. Collection method: clinical testing. Allele origin: germline.

NM_001408.3(CELSR2):c.1778C>T (p.Ser593Leu)

Gene: CELSR2 (cadherin EGF LAG seven-pass G-type receptor 2; plus strand). Cytogenetic location: 1p13.3.
Variant type: single nucleotide variant.
Coding change: c.1778C>T on transcript NM_001408.3 (MANE Select); coding-DNA position 1778, C replaced by T.
Protein change: p.Ser593Leu; replaces serine 593 with leucine.
Molecular consequence: missense variant.
Genome position (GRCh38, 1-based): chr1:109,251,857, C>T. VCF-style: chr1-109251857-C-T. GRCh37 (hg19) VCF-style: chr1-109794479-C-T.
Other names: short protein forms S593L.
Identifiers: ClinVar variation 3142025 (VCV003142025.3), dbSNP rs144013657, ClinGen allele CA986634.